The following is an entry in ClinVar:

ClinVar aggregate classification (germline): Uncertain significance. Review status: criteria provided, multiple submitters, no conflicts (2 of 4 stars). 2 submissions from 2 submitters: Uncertain significance (2). Last evaluated 2023-09-07.

Conditions:
Hereditary pheochromocytoma and paraganglioma. Also called: Hereditary paragangliomas and pheochromocytomas; Hereditary Paraganglioma-Pheochromocytoma Syndromes; Hereditary pheochromocytoma-paraganglioma. Identifiers: Orphanet 29072, MedGen C4274332, MONDO:0017366.
Hereditary cancer-predisposing syndrome. Also called: Tumor predisposition; Hereditary Cancer Syndrome; Hereditary neoplastic syndrome; Neoplastic Syndromes, Hereditary. Identifiers: Orphanet 140162, MedGen C0027672, MeSH D009386, MONDO:0015356.

Allele frequency attached by ClinVar (database versions not stated): gnomAD exomes below 0.00001.
gnomAD v4.1: 2 of 1,614,128 alleles (0.00012%); highest among the groups gnomAD compares: Non-Finnish European, 0.00017%; no homozygotes.

Submissions (2):

Ambry Genetics
Classification: Uncertain significance for Hereditary cancer-predisposing syndrome. Last evaluated: 2023-09-07. Review status: criteria provided, single submitter. Criteria: Ambry Variant Classification Scheme 2023. Collection method: clinical testing. Allele origin: germline.
Comment: The p.A109T variant (also known as c.325G>A), located in coding exon 5 of the MAX gene, results from a G to A substitution at nucleotide position 325. The alanine at codon 109 is replaced by threonine, an amino acid with similar properties. This amino acid position is conserved. In addition, the in silico prediction for this alteration is inconclusive. Since supporting evidence is limited at this time, the clinical significance of this alteration remains unclear.

Labcorp Genetics (formerly Invitae), Labcorp
Classification: Uncertain significance for Hereditary pheochromocytoma and paraganglioma. Last evaluated: 2021-07-01. Review status: criteria provided, single submitter. Criteria: Invitae Variant Classification Sherloc (09022015). Collection method: clinical testing. Allele origin: germline.
Comment: In summary, the available evidence is currently insufficient to determine the role of this variant in disease. Therefore, it has been classified as a Variant of Uncertain Significance. Algorithms developed to predict the effect of missense changes on protein structure and function (SIFT, PolyPhen-2, Align-GVGD) all suggest that this variant is likely to be tolerated. This variant has not been reported in the literature in individuals affected with MAX-related conditions. This variant is not present in population databases (ExAC no frequency). This sequence change replaces alanine with threonine at codon 109 of the MAX protein (p.Ala109Thr). The alanine residue is moderately conserved and there is a small physicochemical difference between alanine and threonine.

NM_002382.5(MAX):c.325G>A (p.Ala109Thr)

Gene: MAX (MYC associated transcriptional regulator X; minus strand). Cytogenetic location: 14q23.3.
Variant type: single nucleotide variant.
Coding change: c.325G>A on transcript NM_002382.5 (MANE Select); coding-DNA position 325, G replaced by A.
Protein change: p.Ala109Thr; replaces alanine 109 with threonine.
Molecular consequence: missense variant. On other transcripts: 3 prime UTR variant (1), intron variant (2).
Genome position (GRCh38, 1-based): chr14:65,076,634, C>T on the plus strand (G>A on the coding strand, the complement: MAX is on the minus strand). VCF-style: chr14-65076634-C-T. GRCh37 (hg19) VCF-style: chr14-65543352-C-T.
Other names: c.136G>A, p.Ala46Thr (NM_001320415.2, NM_001407105.1, NM_001407106.1 and 1 more transcripts); c.325G>A, p.Ala109Thr (NM_001407094.1); c.298G>A, p.Ala100Thr (NM_001407095.1, NM_145112.3); c.*98G>A (NM_001407096.1, NM_001407099.1, NM_001407102.1 and 2 more transcripts); c.*114G>A (NM_001407097.1, NM_001407100.1, NM_001407101.1 and 4 more transcripts); c.217G>A, p.Ala73Thr (NM_001407098.1); c.124G>A, p.Ala42Thr (NM_001407111.1, NM_001407112.1); c.144+17074G>A (NM_001271069.2); and 1 more; short protein forms A100T, A109T, A46T, A42T, A73T.
Identifiers: ClinVar variation 1400952 (VCV001400952.10), dbSNP rs2139741730, ClinGen allele CA390031900.